The following is an entry in ClinVar:

NM_198904.4(GABRG2):c.631+1284G>T

Gene: GABRG2 (gamma-aminobutyric acid type A receptor subunit gamma2; plus strand). Cytogenetic location: 5q34.
Variant type: single nucleotide variant.
Coding change: c.631+1284G>T on transcript NM_198904.4 (MANE Select); 1284 bases into the intron after coding-DNA position 631, G replaced by T.
Molecular consequence: intron variant. On other transcripts: missense variant (2).
Genome position (GRCh38, 1-based): chr5:162,102,601, G>T. VCF-style: chr5-162102601-G-T. GRCh37 (hg19) VCF-style: chr5-161529607-G-T.
Other names: p.A227S:GCT>TCT; c.679G>T, p.Ala227Ser (NM_001375343.1, NM_198903.2); c.346+1284G>T (NM_001375349.1); c.631+1284G>T (NM_001375344.1, NM_001375340.1, NM_001375341.1 and 2 more transcripts); c.211+1284G>T (NM_001375350.1, NM_001375348.1); c.622+1284G>T (NM_001375339.1); c.565+1284G>T (NM_001375346.1, NM_001375345.1); c.544+1284G>T (NM_001375347.1); short protein forms A227S.
Identifiers: ClinVar variation 137424 (VCV000137424.3), dbSNP rs148215078, ClinGen allele CA290996.

ClinVar aggregate classification (germline): Benign/Likely benign. Review status: criteria provided, multiple submitters, no conflicts (2 of 4 stars). 3 submissions from 3 submitters: Benign (2); Likely benign (1). Last evaluated 2024-09-23.

Allele frequency attached by ClinVar (database versions not stated): ExAC 0.00094; gnomAD exomes 0.00101 and 0.00167; gnomAD 0.00846 and 0.00925; 1000 Genomes Project 0.00899; TOPMed 0.00915; 1000 Genomes Project 30x 0.00953.
gnomAD v4.1: 1,595 of 453,872 alleles (0.35%); highest among the groups gnomAD compares: African/African-American, 2.9%; 34 homozygotes.

Submissions (3):

Blueprint Genetics
Classification: Likely benign. Last evaluated: 2024-09-23. Review status: criteria provided, single submitter. Criteria: ACMG Guidelines, 2015. Collection method: clinical testing. Allele origin: germline.

Athena Diagnostics
Classification: Benign. Last evaluated: 2019-04-26. Review status: criteria provided, single submitter. Criteria: Athena Diagnostics Criteria. Collection method: clinical testing. Allele origin: germline.

GeneDx
Classification: Benign. Last evaluated: 2013-01-16. Review status: criteria provided, single submitter. Criteria: GeneDx Variant Classification (06012015). Collection method: clinical testing. Allele origin: germline. Affected: yes.
Comment: This variant is considered likely benign or benign based on one or more of the following criteria: it is a conservative change, it occurs at a poorly conserved position in the protein, it is predicted to be benign by multiple in silico algorithms, and/or has population frequency not consistent with disease.